The following is an entry in ClinVar:

NM_019032.6(ADAMTSL4):c.2764-3T>C

Gene: ADAMTSL4 (ADAMTS like 4; plus strand). Cytogenetic location: 1q21.2.
Variant type: single nucleotide variant.
Coding change: c.2764-3T>C on transcript NM_019032.6 (MANE Select); 3 bases into the intron before coding-DNA position 2764, T replaced by C.
Molecular consequence: intron variant.
Genome position (GRCh38, 1-based): chr1:150,559,284, T>C. VCF-style: chr1-150559284-T-C. GRCh37 (hg19) VCF-style: chr1-150531760-T-C.
Other names: c.2833-3T>C (NM_001288608.2); c.2647-3T>C (NM_001288607.2); c.2764-3T>C (NM_001378596.1).
Identifiers: ClinVar variation 2805337 (VCV002805337.3), dbSNP rs2526785609, ClinGen allele CA2647818119.

ClinVar aggregate classification (germline): Uncertain significance (1 of 4 stars; one submission).

gnomAD v4.1: 2 of 1,612,470 alleles (0.00012%); highest among the groups gnomAD compares: Middle Eastern, 0.033%; no homozygotes.

Submission:

Labcorp Genetics (formerly Invitae), Labcorp
Classification: Uncertain significance. Last evaluated: 2024-11-11. Review status: criteria provided, single submitter. Criteria: Invitae Variant Classification Sherloc (09022015). Collection method: clinical testing. Allele origin: germline.
Comment: This sequence change falls in intron 16 of the ADAMTSL4 gene. It does not directly change the encoded amino acid sequence of the ADAMTSL4 protein. It affects a nucleotide within the consensus splice site. This variant is not present in population databases (gnomAD no frequency). This variant has not been reported in the literature in individuals affected with ADAMTSL4-related conditions. ClinVar contains an entry for this variant (Variation ID: 2805337). Variants that disrupt the consensus splice site are a relatively common cause of aberrant splicing (PMID: 17576681, 9536098). Algorithms developed to predict the effect of sequence changes on RNA splicing suggest that this variant is not likely to affect RNA splicing. In summary, the available evidence is currently insufficient to determine the role of this variant in disease. Therefore, it has been classified as a Variant of Uncertain Significance.

Literature cited by the submitters: PubMed 17576681; PubMed 9536098.